The following is an entry in ClinVar:

NM_001145475.3(FAM186A):c.3636T>C (p.Ala1212=)

Gene: FAM186A (family with sequence similarity 186 member A; minus strand). Cytogenetic location: 12q13.12.
Variant type: single nucleotide variant.
Coding change: c.3636T>C on transcript NM_001145475.3 (MANE Select); coding-DNA position 3636, T replaced by C.
Protein change: p.Ala1212=; no amino-acid change (alanine 1212 retained).
Molecular consequence: synonymous variant.
Genome position (GRCh38, 1-based): chr12:50,353,196, A>G on the plus strand (T>C on the coding strand, the complement: FAM186A is on the minus strand). VCF-style: chr12-50353196-A-G. GRCh37 (hg19) VCF-style: chr12-50746979-A-G.
Identifiers: ClinVar variation 2642990 (VCV002642990.24), dbSNP rs566216501, ClinGen allele CA236759677.

ClinVar aggregate classification (germline): Likely benign (1 of 4 stars; one submission).

Allele frequency attached by ClinVar (database versions not stated): 1000 Genomes Project 0.00060.

Submission:

CeGaT Center for Human Genetics Tuebingen
Classification: Likely benign. Last evaluated: 2023-08-01. Review status: criteria provided, single submitter. Criteria: CeGaT Center For Human Genetics Tuebingen Variant Classification Criteria Version 2. Collection method: clinical testing. Allele origin: germline. Affected: yes. Observed: 1 variant allele.
Comment: FAM186A: BP4, BP7